The following is an entry in ClinVar:

NM_001145308.5(LRTOMT):c.189G>A (p.Thr63=)

Genes: TOMT (transmembrane O-methyltransferase; plus strand), LRTOMT (leucine rich transmembrane and O-methyltransferase domain containing; plus strand). Cytogenetic location: 11q13.4.
Variant type: single nucleotide variant.
Coding change: c.189G>A on transcript NM_001145308.5; coding-DNA position 189, G replaced by A.
Protein change: p.Thr63=; no amino-acid change (threonine 63 retained).
Molecular consequence: synonymous variant. On other transcripts: intron variant (1).
Genome position (GRCh38, 1-based): chr11:72,106,041, G>A. VCF-style: chr11-72106041-G-A. GRCh37 (hg19) VCF-style: chr11-71817087-G-A.
Other names: c.90G>A, p.Thr30= (NM_001393500.2); c.189G>A, p.Thr63= (NM_001145309.4); c.84-15G>A (NM_001145310.4).
Identifiers: ClinVar variation 305990 (VCV000305990.10), dbSNP rs556093010, ClinGen allele CA6168575.

ClinVar aggregate classification (germline): Uncertain significance. Review status: criteria provided, multiple submitters, no conflicts (2 of 4 stars). 3 submissions from 3 submitters: Uncertain significance (2). 1 of the submissions does not count toward it. Last evaluated 2023-03-11.

Conditions:
Autosomal recessive nonsyndromic hearing loss 63. Identifiers: Orphanet 90636, MedGen C1969621, MONDO:0012670, OMIM 611451.
LRTOMT-related disorder. Also called: LRTOMT-related condition.

Allele frequency attached by ClinVar (database versions not stated): gnomAD 0.00004; TOPMed 0.00004; ExAC 0.00005; 1000 Genomes Project 30x 0.00016; 1000 Genomes Project 0.00020.
gnomAD v4.1: 80 of 1,551,086 alleles (0.0052%); highest among the groups gnomAD compares: Admixed American, 0.0078%; no homozygotes.

Submissions (3):

Labcorp Genetics (formerly Invitae), Labcorp
Classification: Uncertain significance. Last evaluated: 2023-03-11. Review status: criteria provided, single submitter. Criteria: Invitae Variant Classification Sherloc (09022015). Collection method: clinical testing. Allele origin: germline.
Comment: In summary, the available evidence is currently insufficient to determine the role of this variant in disease. Therefore, it has been classified as a Variant of Uncertain Significance. Algorithms developed to predict the effect of sequence changes on RNA splicing suggest that this variant may create or strengthen a splice site. ClinVar contains an entry for this variant (Variation ID: 305990). This variant has not been reported in the literature in individuals affected with LRTOMT-related conditions. This variant is present in population databases (rs556093010, gnomAD 0.01%). This sequence change affects codon 63 of the LRTOMT mRNA. It is a 'silent' change, meaning that it does not change the encoded amino acid sequence of the LRTOMT protein.

Illumina Laboratory Services, Illumina
Classification: Uncertain significance for Autosomal recessive nonsyndromic hearing loss 63. Last evaluated: 2018-01-13. Review status: criteria provided, single submitter. Criteria: ICSL Variant Classification Criteria 13 December 2019. Collection method: clinical testing. Allele origin: germline.

PreventionGenetics, part of Exact Sciences
Classification: Likely benign for LRTOMT-related condition. Last evaluated: 2024-01-05. Review status: no assertion criteria provided. Collection method: clinical testing. Allele origin: germline. Not counted in ClinVar's aggregate classification.
Comment: This variant is classified as likely benign based on ACMG/AMP sequence variant interpretation guidelines (Richards et al. 2015 PMID: 25741868, with internal and published modifications).